The following is an entry in ClinVar:

ClinVar aggregate classification (germline): Uncertain significance. Review status: criteria provided, multiple submitters, no conflicts (2 of 4 stars). 3 submissions from 3 submitters: Uncertain significance (3). Last evaluated 2025-09-03.

Conditions:
TTN-related disorder. Also called: TTN-related condition; TTN-related disease; TTN-related disorders.

Allele frequency attached by ClinVar (database versions not stated): ExAC 0.00002; TOPMed 0.00003; gnomAD 0.00005; gnomAD exomes 0.00006; ESP Exome Variant Server 0.00008.
gnomAD v4.1: 94 of 1,613,274 alleles (0.0058%); highest among the groups gnomAD compares: Admixed American, 0.013%; no homozygotes.

Submissions (3):

PreventionGenetics, part of Exact Sciences
Classification: Uncertain significance for TTN-related condition. Last evaluated: 2025-09-03. Review status: criteria provided, single submitter. Criteria: ACMG Guidelines, 2015. Collection method: clinical testing. Allele origin: germline.
Comment: The TTN c.58007A>T variant is predicted to result in the amino acid substitution p.Asn19336Ile. To our knowledge, this variant has not been reported in the literature. This variant is reported in 0.011% of alleles in individuals of Latino descent in gnomAD. At this time, the clinical significance of this variant is uncertain due to the absence of conclusive functional and genetic evidence.

CeGaT Center for Human Genetics Tuebingen
Classification: Uncertain significance. Last evaluated: 2023-10-01. Review status: criteria provided, single submitter. Criteria: CeGaT Center For Human Genetics Tuebingen Variant Classification Criteria Version 2. Collection method: clinical testing. Allele origin: germline. Affected: yes. Observed: 1 variant allele.
Comment: TTN: PM2, BP1, BP4

Revvity Omics, Revvity
Classification: Uncertain significance. Last evaluated: 2019-10-29. Review status: criteria provided, single submitter. Criteria: ACMG Guidelines, 2015. Collection method: clinical testing. Allele origin: germline.

NM_001267550.2(TTN):c.58007A>T (p.Asn19336Ile)

Genes: TTN (titin; minus strand), TTN-AS1 (TTN antisense RNA 1; plus strand). Cytogenetic location: 2q31.2.
Variant type: single nucleotide variant.
Coding change: c.58007A>T on transcript NM_001267550.2 (MANE Select); coding-DNA position 58007, A replaced by T.
Protein change: p.Asn19336Ile; replaces asparagine 19336 with isoleucine.
Molecular consequence: missense variant.
Genome position (GRCh38, 1-based): chr2:178,594,487, T>A on the plus strand (A>T on the coding strand, the complement: TTN is on the minus strand). VCF-style: chr2-178594487-T-A. GRCh37 (hg19) VCF-style: chr2-179459214-T-A.
Other names: c.30812A>T, p.Asn10271Ile (NM_003319.4); c.50303A>T, p.Asn16768Ile (NM_133378.4); c.31187A>T, p.Asn10396Ile (NM_133432.3); c.31388A>T, p.Asn10463Ile (NM_133437.4); c.53084A>T, p.Asn17695Ile (NM_001256850.1); short protein forms N10271I, N10396I, N10463I, N16768I, N17695I, N19336I.
Identifiers: ClinVar variation 2438060 (VCV002438060.28), dbSNP rs371851242, ClinGen allele CA1992946.